The following is an entry in ClinVar:

NM_016203.4(PRKAG2):c.389C>T (p.Ser130Phe)

Gene: PRKAG2 (protein kinase AMP-activated non-catalytic subunit gamma 2; minus strand). Cytogenetic location: 7q36.1.
Variant type: single nucleotide variant.
Coding change: c.389C>T on transcript NM_016203.4 (MANE Select); coding-DNA position 389, C replaced by T.
Protein change: p.Ser130Phe; replaces serine 130 with phenylalanine.
Molecular consequence: missense variant. On other transcripts: intron variant (1).
Genome position (GRCh38, 1-based): chr7:151,781,229, G>A on the plus strand (C>T on the coding strand, the complement: PRKAG2 is on the minus strand). VCF-style: chr7-151781229-G-A. GRCh37 (hg19) VCF-style: chr7-151478315-G-A.
Other names: c.257C>T, p.Ser86Phe (NM_001040633.2, NM_001407024.1, NM_001407026.1 and 2 more transcripts); c.389C>T, p.Ser130Phe (NM_001407021.1, NM_001407022.1, NM_001407023.1 and 2 more transcripts); c.148+33187C>T (NM_001407032.1); short protein forms S130F, S86F.
Identifiers: ClinVar variation 3072489 (VCV003072489.2), dbSNP rs748790230, ClinGen allele CA056967.

ClinVar aggregate classification (germline): Uncertain significance. Review status: criteria provided, multiple submitters, no conflicts (2 of 4 stars). 2 submissions from 2 submitters: Uncertain significance (2). Last evaluated 2023-07-19.

Conditions:
Hypertrophic cardiomyopathy. Also called: HYPERTROPHIC MYOCARDIOPATHY. Identifiers: Orphanet 217569, MedGen C0007194, MeSH D002312, MONDO:0005045, HP:0001639.

gnomAD v4.1: 1 of 1,614,118 alleles (0.000062%); highest among the groups gnomAD compares: Non-Finnish European, 0.000085%; no homozygotes.

Submissions (2):

All of Us Research Program, National Institutes of Health
Classification: Uncertain significance for Hypertrophic cardiomyopathy. Last evaluated: 2023-07-19. Review status: criteria provided, single submitter. Criteria: ACMG Guidelines, 2015. Collection method: clinical testing. Allele origin: germline. Inheritance: Autosomal dominant inheritance. Observed: 1 variant allele, 1 heterozygote.
Comment: This missense variant replaces serine with phenylalanine at codon 130 of the PRKAG2 protein. Computational prediction suggests that this variant may not impact protein structure and function (internally defined REVEL score threshold <= 0.5, PMID: 27666373). To our knowledge, functional studies have not been reported for this variant. This variant has not been reported in individuals affected with PRKAG2-related disorders in the literature. This variant has been identified in 1/251244 chromosomes in the general population by the Genome Aggregation Database (gnomAD). The available evidence is insufficient to determine the role of this variant in disease conclusively. Therefore, this variant is classified as a Variant of Uncertain Significance.

This study involves interpretation of variants in research participants for the purpose of population health screening. Participant phenotype was not available at the time of variant classification. Additional details can be found in publication PMID: 35346344, PMCID: PMC8962531

Blueprint Genetics
Classification: Uncertain significance. Last evaluated: 2022-01-10. Review status: criteria provided, single submitter. Criteria: ACMG Guidelines, 2015. Collection method: clinical testing. Allele origin: germline.